The following is an entry in ClinVar:

NM_003104.6(SORD):c.285_286delinsAT (p.Pro96Ser)

Gene: SORD (sorbitol dehydrogenase; plus strand). Cytogenetic location: 15q21.1.
Variant type: Indel.
Coding change: c.285_286delinsAT on transcript NM_003104.6 (MANE Select); coding-DNA positions 285 to 286, GC replaced by AT.
Protein change: p.Pro96Ser; replaces proline 96 with serine.
Molecular consequence: missense variant. On other transcripts: non-coding transcript variant (1).
Genome position (GRCh38, 1-based): chr15:45,061,086-45,061,087, GC replaced by AT. VCF-style: chr15-45061086-GC-AT. GRCh37 (hg19) VCF-style: chr15-45353284-GC-AT.
Other names: short protein forms P96S.
Identifiers: ClinVar variation 3907073 (VCV003907073.1).

ClinVar aggregate classification (germline): Uncertain significance (1 of 4 stars; one submission).

Submission:

Women's Health and Genetics/Laboratory Corporation of America, LabCorp
Classification: Uncertain significance. Last evaluated: 2025-06-17. Review status: criteria provided, single submitter. Criteria: LabCorp Variant Classification Summary - May 2015. Collection method: clinical testing. Allele origin: germline.
Comment: Variant summary: SORD c.285_286delinsAT (p.Pro96Ser) results in a non-conservative amino acid change in the encoded protein sequence. Algorithms developed to predict the effect of missense changes on protein structure and function are either unavailable or do not agree on the potential impact of this missense change. The variant was absent in 249938 control chromosomes. The available data on variant occurrences in the general population are insufficient to allow any conclusion about variant significance. To our knowledge, no occurrence of c.285_286delinsAT in individuals affected with Neuronopathy, distal hereditary motor, autosomal recessive 8 and no experimental evidence demonstrating its impact on protein function have been reported. No submitters have cited clinical-significance assessments for this variant to ClinVar. Based on the evidence outlined above, the variant was classified as uncertain significance.